The following is an entry in ClinVar:

ClinVar aggregate classification (germline): Benign. Review status: criteria provided, single submitter (1 of 4 stars). 2 submissions from 2 submitters: Benign (1). 1 of the submissions does not count toward it. Last evaluated 2025-08-17.

Conditions:
TNK2-related disorder. Also called: TNK2-related condition.

Allele frequency attached by ClinVar (database versions not stated): ESP Exome Variant Server 0.00093; gnomAD exomes 0.00036; 1000 Genomes Project 0.00040; ExAC 0.00058; 1000 Genomes Project 30x 0.00062; TOPMed 0.00096.
gnomAD v4.1: 648 of 1,606,296 alleles (0.04%); highest among the groups gnomAD compares: African/African-American, 0.17%; 3 homozygotes.

Submissions (2):

Labcorp Genetics (formerly Invitae), Labcorp
Classification: Benign. Last evaluated: 2025-08-17. Review status: criteria provided, single submitter. Criteria: Invitae Variant Classification Sherloc (09022015). Collection method: clinical testing. Allele origin: germline.

PreventionGenetics, part of Exact Sciences
Classification: Benign for TNK2-related condition. Last evaluated: 2019-05-28. Review status: no assertion criteria provided. Collection method: clinical testing. Allele origin: germline. Not counted in ClinVar's aggregate classification.
Comment: This variant is classified as benign based on ACMG/AMP sequence variant interpretation guidelines (Richards et al. 2015 PMID: 25741868, with internal and published modifications).

NM_001382273.1(TNK2):c.2078G>A (p.Arg693Gln)

Gene: TNK2 (tyrosine kinase non receptor 2; minus strand). Cytogenetic location: 3q29.
Variant type: single nucleotide variant.
Coding change: c.2078G>A on transcript NM_001382273.1 (MANE Select); coding-DNA position 2078, G replaced by A.
Protein change: p.Arg693Gln; replaces arginine 693 with glutamine.
Molecular consequence: missense variant. On other transcripts: non-coding transcript variant (15).
Genome position (GRCh38, 1-based): chr3:195,868,220, C>T on the plus strand (G>A on the coding strand, the complement: TNK2 is on the minus strand). VCF-style: chr3-195868220-C-T. GRCh37 (hg19) VCF-style: chr3-195595091-C-T.
Other names: c.2150G>A, p.Arg717Gln (NM_001010938.2, NM_001382272.1); c.2129G>A, p.Arg710Gln (NM_001308046.2, NM_001382271.1); c.2078G>A, p.Arg693Gln (NM_001382274.1, NM_001387716.1, NM_001387717.1 and 1 more transcripts); c.2174G>A, p.Arg725Gln (NM_001382275.1, NM_001387707.1); c.2033G>A, p.Arg678Gln (NM_001386164.1, NM_001387709.1, NM_001387710.1 and 8 more transcripts); c.2105G>A, p.Arg702Gln (NM_001387708.1, NM_001387715.1); short protein forms R678Q, R693Q, R702Q, R710Q, R717Q, R725Q.
Identifiers: ClinVar variation 3056768 (VCV003056768.4), dbSNP rs199680214, ClinGen allele CA2776080.
Genomic context (GRCh38, chr3:195,868,220, plus strand): 5'-GGCGGCTTGCCCCCACCCTGGGGCGGGAGGAACAGGTTGTCCTCCAGGGGAGGGGGCGGC[C>T]GCGCCTGCTCAGGCACAAAGGCGTAGTTGGTCTGGCCCTGGCTGGGCCCGGCAGGGACCC-3'
Protein context (NP_001369202.1, residues 683-703): TNYAFVPEQA[Arg693Gln]PPPPLEDNLF